The following is an entry in ClinVar:

ClinVar aggregate classification (germline): Uncertain significance (1 of 4 stars; one submission).

gnomAD v4.1: 130 of 1,613,808 alleles (0.0081%); highest among the groups gnomAD compares: Middle Eastern, 0.15%; 3 homozygotes.

Submission:

Labcorp Genetics (formerly Invitae), Labcorp
Classification: Uncertain significance. Last evaluated: 2025-05-13. Review status: criteria provided, single submitter. Criteria: Invitae Variant Classification Sherloc (09022015). Collection method: clinical testing. Allele origin: germline.
Comment: This sequence change replaces serine, which is neutral and polar, with asparagine, which is neutral and polar, at codon 72 of the TRPV6 protein (p.Ser72Asn). This variant is present in population databases (rs141313361, gnomAD 0.05%). This variant has not been reported in the literature in individuals affected with TRPV6-related conditions. Experimental studies and prediction algorithms are not available or were not evaluated, and the functional significance of this variant is currently unknown. In summary, the available evidence is currently insufficient to determine the role of this variant in disease. Therefore, it has been classified as a Variant of Uncertain Significance.

NM_018646.6(TRPV6):c.215G>A (p.Ser72Asn)

Gene: TRPV6 (transient receptor potential cation channel subfamily V member 6; minus strand). Cytogenetic location: 7q34.
Variant type: single nucleotide variant.
Coding change: c.215G>A on transcript NM_018646.6 (MANE Select); coding-DNA position 215, G replaced by A.
Protein change: p.Ser72Asn; replaces serine 72 with asparagine.
Molecular consequence: missense variant.
Genome position (GRCh38, 1-based): chr7:142,885,422, C>T on the plus strand (G>A on the coding strand, the complement: TRPV6 is on the minus strand). VCF-style: chr7-142885422-C-T. GRCh37 (hg19) VCF-style: chr7-142583167-C-T.
Other names: short protein forms S72N.
Identifiers: ClinVar variation 4800406 (VCV004800406.1).